The following is an entry in ClinVar:

NM_003944.4(SELENBP1):c.1112C>G (p.Ser371Cys)

Gene: SELENBP1 (selenium binding protein 1; minus strand). Cytogenetic location: 1q21.3.
Variant type: single nucleotide variant.
Coding change: c.1112C>G on transcript NM_003944.4 (MANE Select); coding-DNA position 1112, C replaced by G.
Protein change: p.Ser371Cys; replaces serine 371 with cysteine.
Molecular consequence: missense variant.
Genome position (GRCh38, 1-based): chr1:151,365,214, G>C on the plus strand (C>G on the coding strand, the complement: SELENBP1 is on the minus strand). VCF-style: chr1-151365214-G-C. GRCh37 (hg19) VCF-style: chr1-151337690-G-C.
Other names: c.926C>G, p.Ser309Cys (NM_001258288.2); c.1238C>G, p.Ser413Cys (NM_001258289.2); short protein forms S309C, S371C, S413C.
Identifiers: ClinVar variation 3045077 (VCV003045077.10), dbSNP rs146726959, ClinGen allele CA1090083.

ClinVar aggregate classification (germline): Likely benign. Review status: criteria provided, single submitter (1 of 4 stars). 2 submissions from 2 submitters: Likely benign (1). 1 of the submissions does not count toward it. Last evaluated 2025-08-01.

Conditions:
SELENBP1-related disorder. Also called: SELENBP1-related condition.

Allele frequency attached by ClinVar (database versions not stated): 1000 Genomes Project 30x 0.00109; ESP Exome Variant Server 0.00138; 1000 Genomes Project 0.00140; gnomAD 0.00174; TOPMed 0.00250.
gnomAD v4.1: 2,662 of 1,613,884 alleles (0.16%); highest among the groups gnomAD compares: Admixed American, 0.19%; 5 homozygotes.

Submissions (2):

CeGaT Center for Human Genetics Tuebingen
Classification: Likely benign. Last evaluated: 2025-08-01. Review status: criteria provided, single submitter. Criteria: CeGaT Center For Human Genetics Tuebingen Variant Classification Criteria Version 2. Collection method: clinical testing. Allele origin: germline. Affected: yes. Observed: 1 variant allele.
Comment: SELENBP1: BP4

PreventionGenetics, part of Exact Sciences
Classification: Likely benign for SELENBP1-related condition. Last evaluated: 2023-06-02. Review status: no assertion criteria provided. Collection method: clinical testing. Allele origin: germline. Not counted in ClinVar's aggregate classification.
Comment: This variant is classified as likely benign based on ACMG/AMP sequence variant interpretation guidelines (Richards et al. 2015 PMID: 25741868, with internal and published modifications).